The following is an entry in ClinVar:

NM_001376.5(DYNC1H1):c.2563G>A (p.Glu855Lys)

Gene: DYNC1H1 (dynein cytoplasmic 1 heavy chain 1; plus strand). Cytogenetic location: 14q32.31.
Variant type: single nucleotide variant.
Coding change: c.2563G>A on transcript NM_001376.5 (MANE Select); coding-DNA position 2563, G replaced by A.
Protein change: p.Glu855Lys; replaces glutamic acid 855 with lysine.
Molecular consequence: missense variant.
Genome position (GRCh38, 1-based): chr14:101,987,477, G>A. VCF-style: chr14-101987477-G-A. GRCh37 (hg19) VCF-style: chr14-102453814-G-A.
Other names: short protein forms E855K.
Identifiers: ClinVar variation 3627307 (VCV003627307.2).

ClinVar aggregate classification (germline): Uncertain significance (1 of 4 stars; one submission).

Conditions:
Charcot-Marie-Tooth disease axonal type 2O. Also called: Charcot-Marie-Tooth disease, axonal, type 20; CHARCOT-MARIE-TOOTH NEUROPATHY, AXONAL, TYPE 2O; CHARCOT-MARIE-TOOTH DISEASE, AXONAL, AUTOSOMAL DOMINANT, TYPE 2O; Charcot-Marie-Tooth Neuropathy Type 2O. Identifiers: Orphanet 284232, MedGen C3280220, MONDO:0013644, OMIM 614228.

gnomAD v4.1: 1 of 1,613,984 alleles (0.000062%); highest among the groups gnomAD compares: Non-Finnish European, 0.000085%; no homozygotes.

Submission:

Labcorp Genetics (formerly Invitae), Labcorp
Classification: Uncertain significance for Charcot-Marie-Tooth disease axonal type 2O. Last evaluated: 2024-03-15. Review status: criteria provided, single submitter. Criteria: Invitae Variant Classification Sherloc (09022015). Collection method: clinical testing. Allele origin: germline.
Comment: This sequence change replaces glutamic acid, which is acidic and polar, with lysine, which is basic and polar, at codon 855 of the DYNC1H1 protein (p.Glu855Lys). This variant is not present in population databases (gnomAD no frequency). This variant has not been reported in the literature in individuals affected with DYNC1H1-related conditions. Advanced modeling of protein sequence and biophysical properties (such as structural, functional, and spatial information, amino acid conservation, physicochemical variation, residue mobility, and thermodynamic stability) performed at Invitae indicates that this missense variant is not expected to disrupt DYNC1H1 protein function with a negative predictive value of 95%. In summary, the available evidence is currently insufficient to determine the role of this variant in disease. Therefore, it has been classified as a Variant of Uncertain Significance.